The following is an entry in ClinVar:

ClinVar aggregate classification (germline): Conflicting classifications of pathogenicity. Review status: criteria provided, conflicting classifications (1 of 4 stars). 3 submissions from 3 submitters: Uncertain significance (2); Benign (1). Last evaluated 2025-10-06.

Conditions:
Colorectal cancer, hereditary nonpolyposis, type 7. Identifiers: Orphanet 144, MedGen C1858380, MONDO:0013725, OMIM 614385.
Ovarian cancer. Also called: OVARIAN CANCER, SOMATIC. Identifiers: Orphanet 213500, MedGen C1140680, MONDO:0008170, OMIM 167000.

Allele frequency attached by ClinVar (database versions not stated): gnomAD exomes below 0.00001.

Submissions (3):

Labcorp Genetics (formerly Invitae), Labcorp
Classification: Uncertain significance for Colorectal cancer, hereditary nonpolyposis, type 7. Last evaluated: 2025-10-06. Review status: criteria provided, single submitter. Criteria: Invitae Variant Classification Sherloc (09022015). Collection method: clinical testing. Allele origin: germline.
Comment: This sequence change replaces threonine, which is neutral and polar, with isoleucine, which is neutral and non-polar, at codon 661 of the MLH3 protein (p.Thr661Ile). This variant is not present in population databases (gnomAD no frequency). This variant has not been reported in the literature in individuals affected with MLH3-related conditions. ClinVar contains an entry for this variant (Variation ID: 1005031). An algorithm developed to predict the effect of missense changes on protein structure and function outputs the following: PolyPhen-2: "Benign". The isoleucine amino acid residue is found in multiple mammalian species, which suggests that this missense change does not adversely affect protein function. In summary, the available evidence is currently insufficient to determine the role of this variant in disease. Therefore, it has been classified as a Variant of Uncertain Significance.

Ambry Genetics
Classification: Uncertain significance. Last evaluated: 2024-08-19. Review status: criteria provided, single submitter. Criteria: Ambry Variant Classification Scheme 2023. Collection method: clinical testing. Allele origin: germline.
Comment: The p.T661I variant (also known as c.1982C>T), located in coding exon 1 of the MLH3 gene, results from a C to T substitution at nucleotide position 1982. The threonine at codon 661 is replaced by isoleucine, an amino acid with similar properties. This amino acid position is not well conserved in available vertebrate species. In addition, this alteration is predicted to be tolerated by in silico analysis. Since supporting evidence is limited at this time, the clinical significance of this alteration remains unclear.

Laboratory of Molecular Epidemiology of Birth Defects, West China Second University Hospital, Sichuan University
Classification: Benign for Ovarian cancer. Last evaluated: 2022-01-01. Review status: criteria provided, single submitter. Criteria: ACMG Guidelines, 2015. Collection method: clinical testing. Allele origin: germline. Affected: yes.

NM_001040108.2(MLH3):c.1982C>T (p.Thr661Ile)

Gene: MLH3 (mutL homolog 3; minus strand). Cytogenetic location: 14q24.3.
Variant type: single nucleotide variant.
Coding change: c.1982C>T on transcript NM_001040108.2 (MANE Select); coding-DNA position 1982, C replaced by T.
Protein change: p.Thr661Ile; replaces threonine 661 with isoleucine.
Molecular consequence: missense variant.
Genome position (GRCh38, 1-based): chr14:75,047,674, G>A on the plus strand (C>T on the coding strand, the complement: MLH3 is on the minus strand). VCF-style: chr14-75047674-G-A. GRCh37 (hg19) VCF-style: chr14-75514377-G-A.
Other names: c.1982C>T (NM_014381.2); c.1982C>T, p.Thr661Ile (NM_014381.3); short protein forms T661I.
Identifiers: ClinVar variation 1005031 (VCV001005031.13), dbSNP rs1892346320, ClinGen allele CA390443522.
Genomic context (GRCh38, chr14:75,047,674, plus strand): 5'-TAACTTATATTCGTTCTGCAATTTTTTTTGTTGGGCAATTGACCAGATTCTTTACTTAAA[G>A]TGCTGGCTAAATCTTTGATGTCTGGAGTTTCAACTGAATGACGTGTTCTATTTCCAAATG-3'
Protein context (NP_001035197.1, residues 651-671): ETPDIKDLAS[Thr661Ile]LSKESGQLPN